The following is an entry in ClinVar:

NM_001371986.1(UNC80):c.3449G>A (p.Arg1150His)

Gene: UNC80 (unc-80 homolog, NALCN channel complex subunit; plus strand). Cytogenetic location: 2q34.
Variant type: single nucleotide variant.
Coding change: c.3449G>A on transcript NM_001371986.1 (MANE Select); coding-DNA position 3449, G replaced by A.
Protein change: p.Arg1150His; replaces arginine 1150 with histidine.
Molecular consequence: missense variant.
Genome position (GRCh38, 1-based): chr2:209,842,441, G>A. VCF-style: chr2-209842441-G-A. GRCh37 (hg19) VCF-style: chr2-210707165-G-A.
Other names: c.3455G>A, p.Arg1152His (NM_032504.2); c.3440G>A, p.Arg1147His (NM_182587.4); short protein forms R1147H, R1152H, R1150H.
Identifiers: ClinVar variation 2954665 (VCV002954665.1), dbSNP rs530395928, ClinGen allele CA2083128.

ClinVar aggregate classification (germline): Uncertain significance (1 of 4 stars; one submission).

Allele frequency attached by ClinVar (database versions not stated): gnomAD 0.00001; gnomAD exomes 0.00001; ExAC 0.00005; 1000 Genomes Project 0.00020; 1000 Genomes Project 30x 0.00031.
gnomAD v4.1: 11 of 1,548,344 alleles (0.00071%); highest among the groups gnomAD compares: African/African-American, 0.0027%; no homozygotes.

Submission:

Labcorp Genetics (formerly Invitae), Labcorp
Classification: Uncertain significance. Last evaluated: 2024-01-21. Review status: criteria provided, single submitter. Criteria: Invitae Variant Classification Sherloc (09022015). Collection method: clinical testing. Allele origin: germline.
Comment: This sequence change replaces arginine, which is basic and polar, with histidine, which is basic and polar, at codon 1152 of the UNC80 protein (p.Arg1152His). This variant is present in population databases (rs530395928, gnomAD 0.01%). This variant has not been reported in the literature in individuals affected with UNC80-related conditions. An algorithm developed to predict the effect of missense changes on protein structure and function (PolyPhen-2) suggests that this variant is likely to be disruptive. In summary, the available evidence is currently insufficient to determine the role of this variant in disease. Therefore, it has been classified as a Variant of Uncertain Significance.